The following is an entry in ClinVar:

NM_000284.4(PDHA1):c.383G>A (p.Gly128Asp)

Gene: PDHA1 (pyruvate dehydrogenase E1 subunit alpha 1; plus strand). Cytogenetic location: Xp22.12.
Variant type: single nucleotide variant.
Coding change: c.383G>A on transcript NM_000284.4 (MANE Select); coding-DNA position 383, G replaced by A.
Protein change: p.Gly128Asp; replaces glycine 128 with aspartic acid.
Molecular consequence: missense variant.
Genome position (GRCh38, 1-based): chrX:19,351,372, G>A. VCF-style: chrX-19351372-G-A. GRCh37 (hg19) VCF-style: chrX-19369490-G-A.
Other names: c.497G>A, p.Gly166Asp (NM_001173454.2); c.404G>A, p.Gly135Asp (NM_001173455.2); c.383G>A, p.Gly128Asp (NM_001173456.2); c.383G>A (NM_000284.3); short protein forms G135D, G166D, G128D.
Identifiers: ClinVar variation 2737098 (VCV002737098.4), dbSNP rs2519341308, ClinGen allele CA412391222.

ClinVar aggregate classification (germline): Likely pathogenic. Review status: criteria provided, single submitter (1 of 4 stars). 2 submissions from 2 submitters: Likely pathogenic (1). 1 of the submissions does not count toward it. Last evaluated 2024-01-02.

Conditions:
Pyruvate dehydrogenase E1-alpha deficiency (PDHAD). Also called: ATAXIA, INTERMITTENT, WITH ABNORMAL PYRUVATE METABOLISM; ATAXIA, INTERMITTENT, WITH PYRUVATE DEHYDROGENASE DEFICIENCY; ATAXIA WITH LACTIC ACIDOSIS I; Ataxia, intermittent, with pyruvate dehydrogenase, or decarboxylase, deficiency. Identifiers: Orphanet 79243, MedGen C1839413, MONDO:0010717, OMIM 312170.

Submissions (2):

Labcorp Genetics (formerly Invitae), Labcorp
Classification: Likely pathogenic for Pyruvate dehydrogenase E1-alpha deficiency. Last evaluated: 2024-01-02. Review status: criteria provided, single submitter. Criteria: Invitae Variant Classification Sherloc (09022015). Collection method: clinical testing. Allele origin: germline.
Comment: This sequence change replaces glycine, which is neutral and non-polar, with aspartic acid, which is acidic and polar, at codon 128 of the PDHA1 protein (p.Gly128Asp). This variant is not present in population databases (gnomAD no frequency). This missense change has been observed in individual(s) with pyruvate dehydrogenase complex deficiency (PMID: 28918066). Advanced modeling of protein sequence and biophysical properties (such as structural, functional, and spatial information, amino acid conservation, physicochemical variation, residue mobility, and thermodynamic stability) performed at Invitae indicates that this missense variant is expected to disrupt PDHA1 protein function with a positive predictive value of 95%. In summary, the currently available evidence indicates that the variant is pathogenic, but additional data are needed to prove that conclusively. Therefore, this variant has been classified as Likely Pathogenic.

PDHA1 Study Group, University Children’s Hospital, Paracelsus Medical University
Classification: Likely pathogenic for Pyruvate dehydrogenase E1-alpha deficiency. Last evaluated: 2024-10-15. Review status: no assertion criteria provided. Collection method: research. Allele origin: inherited. Affected: yes. Observed: 2 variant alleles. Not counted in ClinVar's aggregate classification.
Comment: The NM_000284.3:c.383G>A (p.Gly128Asp) substitution is a missense variant in PDHA1 gene. In total, 2 individuals were diagnosed with PDHA1-related Pyruvate dehydrogenase complex (PDHc) deficiency (MIM #312170). Among them, 1 were confirmed inherited. The variant has been reported in 1 published case (PMIDs: 28918066, 23021068). Last literature search: July 12, 2024. This variant is absent or extremely rare in population-based cohorts in the Genome Aggregation Database (gnomAD). Individuals harboring this variant presented with clinical features compatible with PDHA1-related PDHc deficiency. In summary, this variant meets criteria to be classified as likely pathogenic (LP) for PDHA1-related PDHc deficiency based on the ACMG/AMP criteria applied: PM1, PM2, PM7, PP3 (last assessment October 15, 2024).

Literature cited by the submitters: PubMed 28918066 (cited by Labcorp Genetics (formerly Invitae), Labcorp and PDHA1 Study Group, University Children’s Hospital, Paracelsus Medical University); PubMed 23021068 (cited by PDHA1 Study Group, University Children’s Hospital, Paracelsus Medical University); DOI 10.1093/brain/awaf430 (cited by PDHA1 Study Group, University Children’s Hospital, Paracelsus Medical University).